The following is an entry in ClinVar:

ClinVar aggregate classification (germline): Uncertain significance (1 of 4 stars; one submission).

Submission:

Labcorp Genetics (formerly Invitae), Labcorp
Classification: Uncertain significance. Last evaluated: 2021-10-24. Review status: criteria provided, single submitter. Criteria: Invitae Variant Classification Sherloc (09022015). Collection method: clinical testing. Allele origin: germline.
Comment: This sequence change replaces threonine with serine at codon 285 of the FH protein (p.Thr285Ser). The threonine residue is highly conserved and there is a small physicochemical difference between threonine and serine. This variant is not present in population databases (ExAC no frequency). This variant has not been reported in the literature in individuals affected with FH-related conditions. Advanced modeling of protein sequence and biophysical properties (such as structural, functional, and spatial information, amino acid conservation, physicochemical variation, residue mobility, and thermodynamic stability) performed at Invitae indicates that this missense variant is expected to disrupt FH protein function. In summary, the available evidence is currently insufficient to determine the role of this variant in disease. Therefore, it has been classified as a Variant of Uncertain Significance.

NM_000143.4(FH):c.853A>T (p.Thr285Ser)

Gene: FH (fumarate hydratase; minus strand). Cytogenetic location: 1q43.
Variant type: single nucleotide variant.
Coding change: c.853A>T on transcript NM_000143.4 (MANE Select); coding-DNA position 853, A replaced by T.
Protein change: p.Thr285Ser; replaces threonine 285 with serine.
Molecular consequence: missense variant.
Genome position (GRCh38, 1-based): chr1:241,506,054, T>A on the plus strand (A>T on the coding strand, the complement: FH is on the minus strand). VCF-style: chr1-241506054-T-A. GRCh37 (hg19) VCF-style: chr1-241669354-T-A.
Other names: short protein forms T285S.
Identifiers: ClinVar variation 1346948 (VCV001346948.3), dbSNP rs200791185, ClinGen allele CA345438890.